The following is an entry in ClinVar:

NM_001267550.2(TTN):c.4645+8G>T

Genes: TTN (titin; minus strand), LOC101927055 (uncharacterized LOC101927055; plus strand). Cytogenetic location: 2q31.2.
Variant type: single nucleotide variant.
Coding change: c.4645+8G>T on transcript NM_001267550.2 (MANE Select); 8 bases into the intron after coding-DNA position 4645, G replaced by T.
Molecular consequence: intron variant. On other transcripts: non-coding transcript variant (1).
Genome position (GRCh38, 1-based): chr2:178,777,412, C>A on the plus strand (G>T on the coding strand, the complement: TTN is on the minus strand). VCF-style: chr2-178777412-C-A. GRCh37 (hg19) VCF-style: chr2-179642139-C-A.
Other names: c.4645+8G>T (NM_133378.4, NM_001256850.1, NM_133379.5); c.4507+8G>T (NM_003319.4, NM_133437.4, NM_133432.3).
Identifiers: ClinVar variation 195993 (VCV000195993.27), dbSNP rs144456585, ClinGen allele CA202072.

ClinVar aggregate classification (germline): Benign/Likely benign. Review status: criteria provided, multiple submitters, no conflicts (2 of 4 stars). 12 submissions from 9 submitters: Benign (6); Likely benign (4). 2 of the submissions do not count toward it. Last evaluated 2026-02-01.

Conditions:
TTN-related disorder. Also called: TTN-related condition; TTN-related disease; TTN-related disorders.
Dilated cardiomyopathy 1G (CMD1G). Identifiers: Orphanet 154, MedGen C1858763, MONDO:0011400, OMIM 604145.
Autosomal recessive limb-girdle muscular dystrophy type 2J (LGMDR10). Also called: Limb-girdle muscular dystrophy, type 2J; MUSCULAR DYSTROPHY, LIMB-GIRDLE, AUTOSOMAL RECESSIVE 10. Identifiers: Orphanet 140922, MedGen C1837342, MONDO:0012127, OMIM 608807.
Early-onset myopathy with fatal cardiomyopathy (CMYO5). Also called: Salih Myopathy; CONGENITAL MYOPATHY 5 WITH CARDIOMYOPATHY. Identifiers: Orphanet 289377, MedGen C2673677, MONDO:0012714, OMIM 611705. Disease mechanism: loss of function.
Tibial muscular dystrophy (TMD). Also called: Tibial muscular dystrophy, tardive; Udd Distal Myopathy – Tibial Muscular Dystrophy; UDD MYOPATHY. Identifiers: Orphanet 609, MedGen C1838244, MONDO:0010870, OMIM 600334.
Myopathy, myofibrillar, 9, with early respiratory failure (MFM9). Also called: Myopathy, distal, with early respiratory failure, autosomal dominant; MYOPATHY, PROXIMAL, WITH EARLY RESPIRATORY MUSCLE INVOLVEMENT; Hereditary myopathy with early respiratory failure; EDSTROM MYOPATHY. Identifiers: Orphanet 178464, Orphanet 34521, MedGen C1863599, MONDO:0011362, OMIM 603689.

Allele frequency attached by ClinVar (database versions not stated): ESP Exome Variant Server 0.00038; 1000 Genomes Project 0.00040; gnomAD exomes 0.00009; ExAC 0.00013; gnomAD 0.00029; TOPMed 0.00029; 1000 Genomes Project 30x 0.00031.
gnomAD v4.1: 99 of 1,612,798 alleles (0.0061%); highest among the groups gnomAD compares: African/African-American, 0.11%; 1 homozygote.

Submissions (12):

Labcorp Genetics (formerly Invitae), Labcorp
Classification: Benign for Dilated cardiomyopathy 1G; Autosomal recessive limb-girdle muscular dystrophy type 2J. Last evaluated: 2026-02-01. Review status: criteria provided, single submitter. Criteria: Invitae Variant Classification Sherloc (09022015). Collection method: clinical testing. Allele origin: germline.

PreventionGenetics, part of Exact Sciences
Classification: Likely benign for TTN-related condition. Last evaluated: 2025-05-06. Review status: criteria provided, single submitter. Criteria: ACMG Guidelines, 2015. Collection method: clinical testing. Allele origin: germline.
Comment: This variant is classified as likely benign based on ACMG/AMP sequence variant interpretation guidelines (Richards et al. 2015 PMID: 25741868, with internal and published modifications).

Women's Health and Genetics/Laboratory Corporation of America, LabCorp
Classification: Benign. Last evaluated: 2023-06-12. Review status: criteria provided, single submitter. Criteria: LabCorp Variant Classification Summary - May 2015. Collection method: clinical testing. Allele origin: germline.
Comment: Variant summary: TTN c.4645+8G>T alters a nucleotide located close to a canonical splice site and therefore could affect mRNA splicing, leading to a significantly altered protein sequence. 4/4 computational tools predict no significant impact on normal splicing. However, these predictions have yet to be confirmed by functional studies. The variant allele was found at a frequency of 9.3e-05 in 247318 control chromosomes, predominantly at a frequency of 0.0013 within the African or African-American subpopulation in the gnomAD database, including 1 homozygotes. The observed variant frequency within African or African-American control individuals in the gnomAD database is approximately 3 fold of the estimated maximal expected allele frequency for a pathogenic variant in TTN causing Dilated Cardiomyopathy phenotype (0.00039), strongly suggesting that the variant is a benign polymorphism found primarily in populations of African or African-American origin. To our knowledge, no occurrence of c.4645+8G>T in individuals affected with Dilated Cardiomyopathy and no experimental evidence demonstrating its impact on protein function have been reported. Five clinical diagnostic laboratories have submitted clinical-significance assessments for this variant to ClinVar after 2014 without evidence for independent evaluation. All laboratories classified the variant as benign/likely benign. Based on the evidence outlined above, the variant was classified as benign.

Genome-Nilou Lab
Classification: Benign for Autosomal recessive limb-girdle muscular dystrophy type 2J. Last evaluated: 2021-09-10. Review status: criteria provided, single submitter. Criteria: ACMG Guidelines, 2015. Collection method: clinical testing. Allele origin: germline. Affected: no.

Genome-Nilou Lab
Classification: Benign for Myopathy, myofibrillar, 9, with early respiratory failure. Last evaluated: 2021-09-10. Review status: criteria provided, single submitter. Criteria: ACMG Guidelines, 2015. Collection method: clinical testing. Allele origin: germline. Affected: no.

Genome-Nilou Lab
Classification: Benign for Early-onset myopathy with fatal cardiomyopathy. Last evaluated: 2021-09-10. Review status: criteria provided, single submitter. Criteria: ACMG Guidelines, 2015. Collection method: clinical testing. Allele origin: germline. Affected: no.

Genome-Nilou Lab
Classification: Benign for Tibial muscular dystrophy. Last evaluated: 2021-09-10. Review status: criteria provided, single submitter. Criteria: ACMG Guidelines, 2015. Collection method: clinical testing. Allele origin: germline. Affected: no.

GeneDx
Classification: Likely benign. Last evaluated: 2018-02-20. Review status: criteria provided, single submitter. Criteria: GeneDx Variant Classification (06012015). Collection method: clinical testing. Allele origin: germline. Affected: yes.
Comment: This variant is considered likely benign or benign based on one or more of the following criteria: it is a conservative change, it occurs at a poorly conserved position in the protein, it is predicted to be benign by multiple in silico algorithms, and/or has population frequency not consistent with disease.

Laboratory for Molecular Medicine, Mass General Brigham Personalized Medicine
Classification: Likely benign. Last evaluated: 2015-07-09. Review status: criteria provided, single submitter. Criteria: LMM Criteria. Collection method: clinical testing. Allele origin: germline. Observed: 1 variant allele.
Comment: c.4645+8G>T in Intron 26 of TTN: This variant is not expected to have clinical s ignificance because it is not located within the splice consensus sequence. It h as been identified in 0.15% (14/9232) of African chromosomes by the Exome Aggreg ation Consortium (ExAC; dbSNP rs144456585).

Eurofins Ntd Llc (ga)
Classification: Likely benign. Last evaluated: 2015-02-06. Review status: criteria provided, single submitter. Criteria: EGL Classification Definitions 2015. Collection method: clinical testing. Allele origin: germline. Observed: 1 variant allele, 1 heterozygote.

Clinical Genetics DNA and cytogenetics Diagnostics Lab, Erasmus MC, Erasmus Medical Center
Classification: Likely benign. Review status: no assertion criteria provided. Collection method: clinical testing. Allele origin: germline. Affected: yes. Study: VKGL Data-share Consensus. Not counted in ClinVar's aggregate classification.

Clinical Genetics, Academic Medical Center
Classification: Benign. Review status: no assertion criteria provided. Collection method: clinical testing. Allele origin: germline. Affected: yes. Study: VKGL Data-share Consensus. Not counted in ClinVar's aggregate classification.